The following is an entry in ClinVar:

NM_020919.4(ALS2):c.3885G>A (p.Ala1295=)

Gene: ALS2 (alsin Rho guanine nucleotide exchange factor ALS2; minus strand). Cytogenetic location: 2q33.1.
Variant type: single nucleotide variant.
Coding change: c.3885G>A on transcript NM_020919.4 (MANE Select); coding-DNA position 3885, G replaced by A.
Protein change: p.Ala1295=; no amino-acid change (alanine 1295 retained).
Molecular consequence: synonymous variant.
Genome position (GRCh38, 1-based): chr2:201,715,791, C>T on the plus strand (G>A on the coding strand, the complement: ALS2 is on the minus strand). VCF-style: chr2-201715791-C-T. GRCh37 (hg19) VCF-style: chr2-202580514-C-T.
Other names: p.Ala1295=.
Identifiers: ClinVar variation 261374 (VCV000261374.30), dbSNP rs34946105, ClinGen allele CA2057732.
Genomic context (GRCh38, chr2:201,715,791, plus strand): 5'-CCAAACTTCCCCTTGGCCTGGGCCCTCACAGCCCAGTTGGCGCCAACATTCGTCAAACAC[C>T]GCTTTCCACTTCTCATCAGCTGGCACTGCCAGGTTTCCTAGCTTCCTGCTAATAAAGTCA-3'
Protein context (NP_065970.2, residues 1285-1305): LAVPADEKWK[Ala1295=]VFDECWRQLG

ClinVar aggregate classification (germline): Benign. Review status: criteria provided, multiple submitters, no conflicts (2 of 4 stars). 14 submissions from 13 submitters: Benign (9). 5 of the submissions do not count toward it. Last evaluated 2026-02-04.

Conditions:
ALS2-related disorder. Also called: ALS2-Related Spectrum Disorders; ALS2-related condition; ALS2-related disorders. Identifiers: MedGen CN169291.
Amyotrophic lateral sclerosis type 2, juvenile. Also called: ALS, JUVENILE; Amyotrophic lateral sclerosis type 2. Identifiers: Orphanet 300605, MedGen C1859807, MONDO:0008780, OMIM 205100.
Hereditary spastic paraplegia. Also called: Familial spastic paraparesis. Identifiers: Orphanet 685, MedGen C0037773, MONDO:0019064. Disease mechanism: loss of function.
Infantile-onset ascending hereditary spastic paralysis (IAHSP). Also called: Infantile-Onset Ascending Hereditary Spastic Paralysis (IAHSP); Autosomal Recessive Juvenile Amyotrophic Lateral Sclerosis. Identifiers: Orphanet 293168, MedGen C2931441, MONDO:0011797, OMIM 607225. Disease mechanism: loss of function.

Allele frequency attached by ClinVar (database versions not stated): ExAC 0.03244; gnomAD exomes 0.03327 and 0.03207; 1000 Genomes Project 30x 0.01796; 1000 Genomes Project 0.01817; TOPMed 0.02439; gnomAD 0.02614 and 0.02620; ESP Exome Variant Server 0.02935.
gnomAD v4.1: 51,007 of 1,614,196 alleles (3.2%); highest among the groups gnomAD compares: Middle Eastern, 4.7%; 972 homozygotes.

Submissions (14):

Labcorp Genetics (formerly Invitae), Labcorp
Classification: Benign for Infantile-onset ascending hereditary spastic paralysis. Last evaluated: 2026-02-04. Review status: criteria provided, single submitter. Criteria: Invitae Variant Classification Sherloc (09022015). Collection method: clinical testing. Allele origin: germline.

Athena Diagnostics
Classification: Benign. Last evaluated: 2023-12-13. Review status: criteria provided, single submitter. Criteria: Athena Diagnostics Criteria. Collection method: clinical testing. Allele origin: unknown.

Genome Diagnostics Laboratory, The Hospital for Sick Children
Classification: Benign for Hereditary spastic paraplegia. Last evaluated: 2022-01-14. Review status: criteria provided, single submitter. Criteria: ACMG Guidelines, 2015. Collection method: clinical testing. Allele origin: germline. Affected: yes.

GeneDx
Classification: Benign. Last evaluated: 2019-07-17. Review status: criteria provided, single submitter. Criteria: GeneDx Variant Classification Process June 2021. Collection method: clinical testing. Allele origin: germline. Affected: yes.

Mayo Clinic Laboratories, Mayo Clinic
Classification: Benign. Last evaluated: 2018-05-31. Review status: criteria provided, single submitter. Criteria: ACMG Guidelines, 2015. Collection method: clinical testing. Allele origin: germline. Observed: 71 variant alleles.

Illumina Laboratory Services, Illumina
Classification: Benign for Amyotrophic lateral sclerosis type 2. Last evaluated: 2018-01-13. Review status: criteria provided, single submitter. Criteria: ICSL Variant Classification Criteria 13 December 2019. Collection method: clinical testing. Allele origin: germline.
Comment: This variant was observed in the ICSL laboratory as part of a predisposition screen in an ostensibly healthy population. It had not been previously curated by ICSL or reported in the Human Gene Mutation Database (HGMD: prior to June 1st, 2018), and was therefore a candidate for classification through an automated scoring system. Utilizing variant allele frequency, disease prevalence and penetrance estimates, and inheritance mode, an automated score was calculated to assess if this variant is too frequent to cause the disease. Based on the score and internal cut-off values, a variant classified as benign is not then subjected to further curation. The score for this variant resulted in a classification of benign for this disease.

Illumina Laboratory Services, Illumina
Classification: Benign for ALS2-Related Disorders. Last evaluated: 2018-01-13. Review status: criteria provided, single submitter. Criteria: ICSL Variant Classification Criteria 13 December 2019. Collection method: clinical testing. Allele origin: germline.
Comment: the same text as in the submission from Illumina Laboratory Services, Illumina above.

Breakthrough Genomics
Classification: Benign. Review status: criteria provided, single submitter. Criteria: ACMG Guidelines, 2015. Collection method: not provided. Allele origin: germline. Inheritance: Autosomal recessive inheritance. Affected: yes.

PreventionGenetics, part of Exact Sciences
Classification: Benign. Review status: criteria provided, single submitter. Criteria: ACMG Guidelines, 2015. Collection method: clinical testing. Allele origin: germline.

Clinical Genetics DNA and cytogenetics Diagnostics Lab, Erasmus MC, Erasmus Medical Center
Classification: Benign. Review status: no assertion criteria provided. Collection method: clinical testing. Allele origin: germline. Affected: yes. Study: VKGL Data-share Consensus. Not counted in ClinVar's aggregate classification.

Clinical Genetics, Academic Medical Center
Classification: Benign. Review status: no assertion criteria provided. Collection method: clinical testing. Allele origin: germline. Affected: yes. Study: VKGL Data-share Consensus. Not counted in ClinVar's aggregate classification.

Genome Diagnostics Laboratory, Amsterdam University Medical Center
Classification: Benign. Review status: no assertion criteria provided. Collection method: clinical testing. Allele origin: germline. Affected: yes. Study: VKGL Data-share Consensus. Not counted in ClinVar's aggregate classification.

Genome Diagnostics Laboratory, University Medical Center Utrecht
Classification: Benign. Review status: no assertion criteria provided. Collection method: clinical testing. Allele origin: germline. Affected: yes. Study: VKGL Data-share Consensus. Not counted in ClinVar's aggregate classification.

Joint Genome Diagnostic Labs from Nijmegen and Maastricht, Radboudumc and MUMC+
Classification: Benign. Review status: no assertion criteria provided. Collection method: clinical testing. Allele origin: germline. Affected: yes. Study: VKGL Data-share Consensus. Not counted in ClinVar's aggregate classification.